The following is an entry in ClinVar:

ClinVar aggregate classification (germline): Likely benign (0 of 4 stars; one submission).

Conditions:
EIF4G1-related disorder. Also called: EIF4G1-related condition.

Allele frequency attached by ClinVar (database versions not stated): TOPMed 0.00019; 1000 Genomes Project 0.00020; ExAC 0.00020; 1000 Genomes Project 30x 0.00031; ESP Exome Variant Server 0.00031.
gnomAD v4.1: 255 of 1,613,862 alleles (0.016%); highest among the groups gnomAD compares: Middle Eastern, 0.016%; 1 homozygote.

Submission:

PreventionGenetics, part of Exact Sciences
Classification: Likely benign for EIF4G1-related condition. Last evaluated: 2023-12-29. Review status: no assertion criteria provided. Collection method: clinical testing. Allele origin: germline.
Comment: This variant is classified as likely benign based on ACMG/AMP sequence variant interpretation guidelines (Richards et al. 2015 PMID: 25741868, with internal and published modifications).

NM_198241.3(EIF4G1):c.3234C>T (p.Ile1078=)

Gene: EIF4G1 (eukaryotic translation initiation factor 4 gamma 1; plus strand). Cytogenetic location: 3q27.1.
Variant type: single nucleotide variant.
Coding change: c.3234C>T on transcript NM_198241.3 (MANE Select); coding-DNA position 3234, C replaced by T.
Protein change: p.Ile1078=; no amino-acid change (isoleucine 1078 retained).
Molecular consequence: synonymous variant.
Genome position (GRCh38, 1-based): chr3:184,326,538, C>T. VCF-style: chr3-184326538-C-T. GRCh37 (hg19) VCF-style: chr3-184044326-C-T.
Other names: c.3255C>T, p.Ile1085= (NM_001194946.2, NM_001194947.2); c.3114C>T, p.Ile1038= (NM_001291157.2); c.2649C>T, p.Ile883= (NM_004953.5); c.3237C>T, p.Ile1079= (NM_182917.4); c.2742C>T, p.Ile914= (NM_198242.3); c.2973C>T, p.Ile991= (NM_198244.3).
Identifiers: ClinVar variation 3057742 (VCV003057742.2), dbSNP rs140705298, ClinGen allele CA2732738.